The following is an entry in ClinVar:

ClinVar aggregate classification (germline): Benign/Likely benign. Review status: criteria provided, multiple submitters, no conflicts (2 of 4 stars). 5 submissions from 5 submitters: Benign (1); Likely benign (4). Last evaluated 2026-01-14.

Conditions:
Hereditary cancer-predisposing syndrome. Also called: Tumor predisposition; Neoplastic Syndromes, Hereditary; Hereditary Cancer Syndrome; Hereditary neoplastic syndrome. Identifiers: Orphanet 140162, MedGen C0027672, MeSH D009386, MONDO:0015356.
Juvenile polyposis/hereditary hemorrhagic telangiectasia syndrome (JPHT). Also called: Juvenile Polyposis Syndrome / Hereditary Hemorrhagic Telangiectasia (JPS/HHT); JP/HHT SYNDROME; JUVENILE POLYPOSIS WITH HEREDITARY HEMORRHAGIC TELANGIECTASIA; POLYPOSIS, GENERALIZED JUVENILE, WITH PULMONARY ARTERIOVENOUS MALFORMATION; TELANGIECTASIA, HEREDITARY HEMORRHAGIC, WITH JUVENILE POLYPOSIS COLI. Identifiers: Orphanet 2929, MedGen C1832942, MONDO:0008278, OMIM 175050.
Juvenile polyposis syndrome (JPS). Identifiers: Orphanet 2929, MedGen C0345893, MONDO:0017380, OMIM 174900.

Allele frequency attached by ClinVar (database versions not stated): gnomAD 0.00001; TOPMed 0.00002; gnomAD exomes 0.00004 and 0.00013; 1000 Genomes Project 30x 0.00016; ExAC 0.00018; 1000 Genomes Project 0.00020.
gnomAD v4.1: 64 of 1,603,136 alleles (0.004%); highest among the groups gnomAD compares: South Asian, 0.027%; no homozygotes.

Submissions (5):

Labcorp Genetics (formerly Invitae), Labcorp
Classification: Likely benign for Juvenile polyposis syndrome. Last evaluated: 2026-01-14. Review status: criteria provided, single submitter. Criteria: Invitae Variant Classification Sherloc (09022015). Collection method: clinical testing. Allele origin: germline.

Quest Diagnostics Nichols Institute San Juan Capistrano
Classification: Benign. Last evaluated: 2025-10-29. Review status: criteria provided, single submitter. Criteria: Quest Diagnostics criteria. Collection method: clinical testing. Allele origin: unknown.

Myriad Genetics, Inc.
Classification: Likely benign for Juvenile polyposis/hereditary hemorrhagic telangiectasia syndrome. Last evaluated: 2025-03-20. Review status: criteria provided, single submitter. Criteria: Myriad Autosomal Dominant, Autosomal Recessive and X-Linked Classification Criteria (2023). Collection method: clinical testing. Allele origin: unknown.
Comment: This variant is considered likely benign. This variant is intronic and is not expected to impact mRNA splicing.

Blueprint Genetics
Classification: Likely benign. Last evaluated: 2019-12-23. Review status: criteria provided, single submitter. Criteria: ACMG Guidelines, 2015. Collection method: clinical testing. Allele origin: germline.

Color Diagnostics, LLC DBA Color Health
Classification: Likely benign for Hereditary cancer-predisposing syndrome. Last evaluated: 2017-03-20. Review status: criteria provided, single submitter. Criteria: ACMG Guidelines, 2015. Collection method: clinical testing. Allele origin: germline.

NM_005359.6(SMAD4):c.955+7G>A

Gene: SMAD4 (SMAD family member 4; plus strand). Cytogenetic location: 18q21.2.
Variant type: single nucleotide variant.
Coding change: c.955+7G>A on transcript NM_005359.6 (MANE Select); 7 bases into the intron after coding-DNA position 955, G replaced by A.
Molecular consequence: intron variant.
Genome position (GRCh38, 1-based): chr18:51,059,923, G>A. VCF-style: chr18-51059923-G-A. GRCh37 (hg19) VCF-style: chr18-48586293-G-A.
Identifiers: ClinVar variation 219862 (VCV000219862.18), dbSNP rs200386455, ClinGen allele CA348281.